The following is an entry in ClinVar:

ClinVar aggregate classification (germline): Benign. Review status: criteria provided, multiple submitters, no conflicts (2 of 4 stars). 3 submissions from 3 submitters: Benign (2). 1 of the submissions does not count toward it. Last evaluated 2025-12-03.

Conditions:
PLXNA2-related disorder. Also called: PLXNA2-related condition.

Allele frequency attached by ClinVar (database versions not stated): 1000 Genomes Project 0.00040; TOPMed 0.00143; ExAC 0.00151; ESP Exome Variant Server 0.00154; gnomAD exomes 0.00155; 1000 Genomes Project 30x 0.00062.
gnomAD v4.1: 3,775 of 1,614,008 alleles (0.23%); highest among the groups gnomAD compares: Non-Finnish European, 0.29%; 6 homozygotes.

Submissions (3):

Labcorp Genetics (formerly Invitae), Labcorp
Classification: Benign. Last evaluated: 2025-12-03. Review status: criteria provided, single submitter. Criteria: Invitae Variant Classification Sherloc (09022015). Collection method: clinical testing. Allele origin: germline.

Breakthrough Genomics
Classification: Benign. Review status: criteria provided, single submitter. Criteria: ACMG Guidelines, 2015. Collection method: not provided. Allele origin: germline. Inheritance: Unknown mechanism. Affected: yes.

PreventionGenetics, part of Exact Sciences
Classification: Likely benign for PLXNA2-related condition. Last evaluated: 2021-06-21. Review status: no assertion criteria provided. Collection method: clinical testing. Allele origin: germline. Not counted in ClinVar's aggregate classification.
Comment: This variant is classified as likely benign based on ACMG/AMP sequence variant interpretation guidelines (Richards et al. 2015 PMID: 25741868, with internal and published modifications).

NM_025179.4(PLXNA2):c.1776C>T (p.Ile592=)

Gene: PLXNA2 (plexin A2; minus strand). Cytogenetic location: 1q32.2.
Variant type: single nucleotide variant.
Coding change: c.1776C>T on transcript NM_025179.4 (MANE Select); coding-DNA position 1776, C replaced by T.
Protein change: p.Ile592=; no amino-acid change (isoleucine 592 retained).
Molecular consequence: synonymous variant.
Genome position (GRCh38, 1-based): chr1:208,096,839, G>A on the plus strand (C>T on the coding strand, the complement: PLXNA2 is on the minus strand). VCF-style: chr1-208096839-G-A. GRCh37 (hg19) VCF-style: chr1-208270184-G-A.
Identifiers: ClinVar variation 708357 (VCV000708357.12), dbSNP rs149213633, ClinGen allele CA1373722.